The following is an entry in ClinVar:

ClinVar aggregate classification (germline): Conflicting classifications of pathogenicity. Review status: criteria provided, conflicting classifications (1 of 4 stars). 4 submissions from 4 submitters: Uncertain significance (3); Benign (1). Last evaluated 2024-09-10.

Conditions:
Inborn genetic diseases. Identifiers: MedGen C0950123, MeSH D030342.
Intellectual developmental disorder, autosomal dominant 6, with or without seizures. Also called: Intellectual disability, autosomal dominant 6; GRIN2B-related developmental delay, intellectual disability and autism spectrum disorder. Identifiers: Orphanet 589547, MedGen C3151411, MONDO:0013509, OMIM 613970.
Developmental and epileptic encephalopathy, 27 (DEE27). Also called: Epileptic encephalopathy, early infantile, 27; GRIN2B-Related Neurodevelopmental Disorder. Identifiers: Orphanet 3451, MedGen C4015316, MONDO:0014505, OMIM 616139.

Allele frequency attached by ClinVar (database versions not stated): gnomAD 0.00001; TOPMed 0.00002.
gnomAD v4.1: 1 of 1,613,906 alleles (0.000062%); highest among the groups gnomAD compares: Non-Finnish European, 0.000085%; no homozygotes.

Submissions (4):

Ambry Genetics
Classification: Uncertain significance for Inborn genetic diseases. Last evaluated: 2024-09-10. Review status: criteria provided, single submitter. Criteria: Ambry Variant Classification Scheme 2023. Collection method: clinical testing. Allele origin: germline.

Labcorp Genetics (formerly Invitae), Labcorp
Classification: Benign for Developmental and epileptic encephalopathy, 27; Intellectual developmental disorder, autosomal dominant 6, with or without seizures. Last evaluated: 2024-07-08. Review status: criteria provided, single submitter. Criteria: Invitae Variant Classification Sherloc (09022015). Collection method: clinical testing. Allele origin: germline.

CeGaT Center for Human Genetics Tuebingen
Classification: Uncertain significance. Last evaluated: 2024-06-01. Review status: criteria provided, single submitter. Criteria: CeGaT Center For Human Genetics Tuebingen Variant Classification Criteria Version 2. Collection method: clinical testing. Allele origin: germline. Affected: yes. Observed: 1 variant allele.
Comment: GRIN2B: PM2, PP2, BP4

GeneDx
Classification: Uncertain significance. Last evaluated: 2022-07-20. Review status: criteria provided, single submitter. Criteria: GeneDx Variant Classification Process June 2021. Collection method: clinical testing. Allele origin: germline. Affected: yes.
Comment: Not observed at significant frequency in large population cohorts (gnomAD); In silico analysis supports that this missense variant does not alter protein structure/function; Has not been previously published as pathogenic or benign to our knowledge

NM_000834.5(GRIN2B):c.3043T>G (p.Ser1015Ala)

Gene: GRIN2B (glutamate ionotropic receptor NMDA type subunit 2B; minus strand). Cytogenetic location: 12p13.1.
Variant type: single nucleotide variant.
Coding change: c.3043T>G on transcript NM_000834.5 (MANE Select); coding-DNA position 3043, T replaced by G.
Protein change: p.Ser1015Ala; replaces serine 1015 with alanine.
Molecular consequence: missense variant.
Genome position (GRCh38, 1-based): chr12:13,564,195, A>C on the plus strand (T>G on the coding strand, the complement: GRIN2B is on the minus strand). VCF-style: chr12-13564195-A-C. GRCh37 (hg19) VCF-style: chr12-13717129-A-C.
Other names: short protein forms S1015A.
Identifiers: ClinVar variation 580603 (VCV000580603.28), dbSNP rs574130239, ClinGen allele CA233134160.